The following is an entry in ClinVar:

NM_176869.3(PPA2):c.251G>A (p.Arg84Gln)

Gene: PPA2 (inorganic pyrophosphatase 2; minus strand). Cytogenetic location: 4q24.
Variant type: single nucleotide variant.
Coding change: c.251G>A on transcript NM_176869.3 (MANE Select); coding-DNA position 251, G replaced by A.
Protein change: p.Arg84Gln; replaces arginine 84 with glutamine.
Molecular consequence: missense variant. On other transcripts: intron variant (2).
Genome position (GRCh38, 1-based): chr4:105,453,614, C>T on the plus strand (G>A on the coding strand, the complement: PPA2 is on the minus strand). VCF-style: chr4-105453614-C-T. GRCh37 (hg19) VCF-style: chr4-106374771-C-T.
Other names: c.251G>A, p.Arg84Gln (NM_006903.4); c.157+20280G>A (NM_176867.3); c.222+3067G>A (NM_176866.2); short protein forms R84Q.
Identifiers: ClinVar variation 1199086 (VCV001199086.11), dbSNP rs146135315, ClinGen allele CA3032634.

ClinVar aggregate classification (germline): Benign/Likely benign. Review status: criteria provided, multiple submitters, no conflicts (2 of 4 stars). 3 submissions from 3 submitters: Benign (1); Likely benign (2). Last evaluated 2026-01-26.

Conditions:
PPA2-related disorder. Also called: PPA2-related disorders; PPA2-related condition.

Allele frequency attached by ClinVar (database versions not stated): gnomAD exomes 0.00008 and 0.00020; ExAC 0.00029; 1000 Genomes Project 30x 0.00047; gnomAD 0.00106 and 0.00100; TOPMed 0.00117; 1000 Genomes Project 0.00060; ESP Exome Variant Server 0.00085.
gnomAD v4.1: 271 of 1,605,410 alleles (0.017%); highest among the groups gnomAD compares: African/African-American, 0.27%; 1 homozygote.

Submissions (3):

Labcorp Genetics (formerly Invitae), Labcorp
Classification: Benign. Last evaluated: 2026-01-26. Review status: criteria provided, single submitter. Criteria: Invitae Variant Classification Sherloc (09022015). Collection method: clinical testing. Allele origin: germline.

PreventionGenetics, part of Exact Sciences
Classification: Likely benign for PPA2-related condition. Last evaluated: 2025-07-26. Review status: criteria provided, single submitter. Criteria: ACMG Guidelines, 2015. Collection method: clinical testing. Allele origin: germline.
Comment: This variant is classified as likely benign based on ACMG/AMP sequence variant interpretation guidelines (Richards et al. 2015 PMID: 25741868, with internal and published modifications).

GeneDx
Classification: Likely benign. Last evaluated: 2020-09-11. Review status: criteria provided, single submitter. Criteria: GeneDx Variant Classification Process June 2021. Collection method: clinical testing. Allele origin: germline. Affected: yes.